The following is an entry in ClinVar:

NM_001130009.3(GEN1):c.2098A>G (p.Ile700Val)

Gene: GEN1 (GEN1 structure-specific endonuclease; plus strand). Cytogenetic location: 2p24.2.
Variant type: single nucleotide variant.
Coding change: c.2098A>G on transcript NM_001130009.3 (MANE Select); coding-DNA position 2098, A replaced by G.
Protein change: p.Ile700Val; replaces isoleucine 700 with valine.
Molecular consequence: missense variant.
Genome position (GRCh38, 1-based): chr2:17,781,310, A>G. VCF-style: chr2-17781310-A-G. GRCh37 (hg19) VCF-style: chr2-17962577-A-G.
Other names: c.2098A>G, p.Ile700Val (NM_182625.5); short protein forms I700V.
Identifiers: ClinVar variation 1001125 (VCV001001125.7), dbSNP rs149815077, ClinGen allele CA1540895.

ClinVar aggregate classification (germline): Uncertain significance (1 of 4 stars; one submission).

Allele frequency attached by ClinVar (database versions not stated): gnomAD exomes 0.00005 and 0.00006; ExAC 0.00007; ESP Exome Variant Server 0.00023; gnomAD 0.00023 and 0.00025; TOPMed 0.00026; 1000 Genomes Project 30x 0.00047; 1000 Genomes Project 0.00060.
gnomAD v4.1: 112 of 1,613,792 alleles (0.0069%); highest among the groups gnomAD compares: Middle Eastern, 0.099%; no homozygotes.

Submission:

Labcorp Genetics (formerly Invitae), Labcorp
Classification: Uncertain significance. Last evaluated: 2025-07-21. Review status: criteria provided, single submitter. Criteria: Invitae Variant Classification Sherloc (09022015). Collection method: clinical testing. Allele origin: germline.
Comment: This sequence change replaces isoleucine, which is neutral and non-polar, with valine, which is neutral and non-polar, at codon 700 of the GEN1 protein (p.Ile700Val). This variant is present in population databases (rs149815077, gnomAD 0.05%). This variant has not been reported in the literature in individuals affected with GEN1-related conditions. ClinVar contains an entry for this variant (Variation ID: 1001125). An algorithm developed to predict the effect of missense changes on protein structure and function outputs the following: PolyPhen-2: "Benign". The valine amino acid residue is found in multiple mammalian species, which suggests that this missense change does not adversely affect protein function. In summary, the available evidence is currently insufficient to determine the role of this variant in disease. Therefore, it has been classified as a Variant of Uncertain Significance.